The following is an entry in ClinVar:

NM_000077.5(CDKN2A):c.17G>A (p.Gly6Glu)

Gene: CDKN2A (cyclin dependent kinase inhibitor 2A; minus strand). Cytogenetic location: 9p21.3.
Variant type: single nucleotide variant.
Coding change: c.17G>A on transcript NM_000077.5; coding-DNA position 17, G replaced by A.
Protein change: p.Gly6Glu; replaces glycine 6 with glutamic acid.
Molecular consequence: missense variant (on NM_000077.6). On other transcripts: intron variant (2).
Genome position (GRCh38, 1-based): chr9:21,974,811, C>T on the plus strand (G>A on the coding strand, the complement: CDKN2A is on the minus strand). VCF-style: chr9-21974811-C-T. GRCh37 (hg19) VCF-style: chr9-21974810-C-T.
Other names: c.17G>A, p.Gly6Glu (NM_000077.6, NM_001195132.2, NM_058197.5); c.-3-3603G>A (NM_001363763.2); c.194-3603G>A (NM_058195.4); short protein forms G6E.
Identifiers: ClinVar variation 483323 (VCV000483323.15), dbSNP rs864622656, ClinGen allele CA373086714.

ClinVar aggregate classification (germline): Conflicting classifications of pathogenicity. Review status: criteria provided, conflicting classifications (1 of 4 stars). 3 submissions from 3 submitters: Uncertain significance (2); Likely benign (1). Last evaluated 2026-01-04.

Conditions:
Familial melanoma. Also called: Hereditary melanoma; Hereditary cutaneous melanoma. Identifiers: Orphanet 618, MedGen C1512419, MONDO:0018961.
Hereditary cancer-predisposing syndrome. Also called: Tumor predisposition; Hereditary Cancer Syndrome; Neoplastic Syndromes, Hereditary; Hereditary neoplastic syndrome. Identifiers: Orphanet 140162, MedGen C0027672, MeSH D009386, MONDO:0015356.

Allele frequency attached by ClinVar (database versions not stated): TOPMed below 0.00001.
gnomAD v4.1: 2 of 1,601,878 alleles (0.00012%); highest among the groups gnomAD compares: Non-Finnish European, 0.00017%; no homozygotes.

Submissions (3):

Labcorp Genetics (formerly Invitae), Labcorp
Classification: Uncertain significance for Familial melanoma. Last evaluated: 2026-01-04. Review status: criteria provided, single submitter. Criteria: Invitae Variant Classification Sherloc (09022015). Collection method: clinical testing. Allele origin: germline.
Comment: This sequence change replaces glycine, which is neutral and non-polar, with glutamic acid, which is acidic and polar, at codon 6 of the CDKN2A (p16INK4a) protein (p.Gly6Glu). This variant is not present in population databases (gnomAD no frequency). This variant has not been reported in the literature in individuals affected with CDKN2A (p16INK4a)-related conditions. ClinVar contains an entry for this variant (Variation ID: 483323). An algorithm developed to predict the effect of missense changes on protein structure and function (PolyPhen-2) suggests that this variant is likely to be tolerated. In summary, the available evidence is currently insufficient to determine the role of this variant in disease. Therefore, it has been classified as a Variant of Uncertain Significance.

Color Diagnostics, LLC DBA Color Health
Classification: Uncertain significance for Hereditary cancer-predisposing syndrome. Last evaluated: 2024-05-08. Review status: criteria provided, single submitter. Criteria: ACMG Guidelines, 2015. Collection method: clinical testing. Allele origin: germline.
Comment: The CDKN2A locus encodes two different gene products, p16INK4a and p14ARF. This missense variant replaces glycine with glutamic acid at codon 6 of the CDKN2A (p16INK4A) protein. Computational prediction suggests that this variant may not impact protein structure and function. To our knowledge, functional studies have not been reported for this variant. This variant has not been reported in individuals affected with hereditary cancer in the literature. This variant has not been identified in the general population by the Genome Aggregation Database (gnomAD). The available evidence is insufficient to determine the role of this variant in disease conclusively. Therefore, this variant is classified as a Variant of Uncertain Significance.

Ambry Genetics
Classification: Likely benign for Hereditary cancer-predisposing syndrome. Last evaluated: 2023-12-06. Review status: criteria provided, single submitter. Criteria: Ambry Variant Classification Scheme 2023. Collection method: clinical testing. Allele origin: germline.